The following is an entry in ClinVar:

NM_004970.3(IGFALS):c.995G>A (p.Arg332His)

Gene: IGFALS (insulin like growth factor binding protein acid labile subunit; minus strand). Cytogenetic location: 16p13.3.
Variant type: single nucleotide variant.
Coding change: c.995G>A on transcript NM_004970.3 (MANE Select); coding-DNA position 995, G replaced by A.
Protein change: p.Arg332His; replaces arginine 332 with histidine.
Molecular consequence: missense variant. On other transcripts: non-coding transcript variant (1).
Genome position (GRCh38, 1-based): chr16:1,791,423, C>T on the plus strand (G>A on the coding strand, the complement: IGFALS is on the minus strand). VCF-style: chr16-1791423-C-T. GRCh37 (hg19) VCF-style: chr16-1841424-C-T.
Other names: c.1109G>A, p.Arg370His (NM_001146006.2); short protein forms R370H, R332H.
Identifiers: ClinVar variation 2212535 (VCV002212535.4), dbSNP rs370683639, ClinGen allele CA7820430.

ClinVar aggregate classification (germline): Uncertain significance. Review status: criteria provided, multiple submitters, no conflicts (2 of 4 stars). 2 submissions from 2 submitters: Uncertain significance (2). Last evaluated 2025-10-07.

Conditions:
Inborn genetic diseases. Identifiers: MedGen C0950123, MeSH D030342.

Allele frequency attached by ClinVar (database versions not stated): 1000 Genomes Project 0.00020; 1000 Genomes Project 30x 0.00031.
gnomAD v4.1: 18 of 1,611,996 alleles (0.0011%); highest among the groups gnomAD compares: Admixed American, 0.015%; no homozygotes.

Submissions (2):

Ambry Genetics
Classification: Uncertain significance for Inborn genetic diseases. Last evaluated: 2025-10-07. Review status: criteria provided, single submitter. Criteria: Ambry Variant Classification Scheme 2023. Collection method: clinical testing. Allele origin: germline.

GeneDx
Classification: Uncertain significance. Last evaluated: 2025-07-26. Review status: criteria provided, single submitter. Criteria: GeneDx Variant Classification Process June 2021. Collection method: clinical testing. Allele origin: germline. Affected: yes.
Comment: In silico analysis suggests that this missense variant does not alter protein structure/function; Has not been previously published as pathogenic or benign to our knowledge